The following is an entry in ClinVar:

NM_052945.4(TNFRSF13C):c.14C>T (p.Pro5Leu)

Genes: TNFRSF13C (TNF receptor superfamily member 13C; minus strand), LOC130067574 (ATAC-STARR-seq lymphoblastoid silent region 13813; plus strand). Cytogenetic location: 22q13.2.
Variant type: single nucleotide variant.
Coding change: c.14C>T on transcript NM_052945.4 (MANE Select); coding-DNA position 14, C replaced by T.
Protein change: p.Pro5Leu; replaces proline 5 with leucine.
Molecular consequence: missense variant.
Genome position (GRCh38, 1-based): chr22:41,926,760, G>A on the plus strand (C>T on the coding strand, the complement: TNFRSF13C is on the minus strand). VCF-style: chr22-41926760-G-A. GRCh37 (hg19) VCF-style: chr22-42322764-G-A.
Other names: short protein forms P5L.
Identifiers: ClinVar variation 3717362 (VCV003717362.2).

ClinVar aggregate classification (germline): Uncertain significance (1 of 4 stars; one submission).

Conditions:
Immunodeficiency, common variable, 4. Also called: ANTIBODY DEFICIENCY DUE TO BAFFR DEFECT. Identifiers: Orphanet 1572, Orphanet 696925, MedGen C3150739, MONDO:0013284, OMIM 613494.

Submission:

Labcorp Genetics (formerly Invitae), Labcorp
Classification: Uncertain significance for Immunodeficiency, common variable, 4. Last evaluated: 2024-06-24. Review status: criteria provided, single submitter. Criteria: Invitae Variant Classification Sherloc (09022015). Collection method: clinical testing. Allele origin: germline.
Comment: This sequence change replaces proline, which is neutral and non-polar, with leucine, which is neutral and non-polar, at codon 5 of the TNFRSF13C protein (p.Pro5Leu). This variant is present in population databases (no rsID available, gnomAD 0.01%). This variant has not been reported in the literature in individuals affected with TNFRSF13C-related conditions. An algorithm developed to predict the effect of missense changes on protein structure and function (PolyPhen-2) suggests that this variant is likely to be tolerated. In summary, the available evidence is currently insufficient to determine the role of this variant in disease. Therefore, it has been classified as a Variant of Uncertain Significance.